The following is an entry in ClinVar:

ClinVar aggregate classification (germline): Uncertain significance (1 of 4 stars; one submission).

gnomAD v4.1: 4 of 1,613,874 alleles (0.00025%); highest among the groups gnomAD compares: South Asian, 0.0044%; no homozygotes.

Submission:

GeneDx
Classification: Uncertain significance. Last evaluated: 2022-01-14. Review status: criteria provided, single submitter. Criteria: GeneDx Variant Classification Process June 2021. Collection method: clinical testing. Allele origin: germline. Affected: yes.
Comment: In silico analysis supports that this missense variant has a deleterious effect on protein structure/function; Has not been previously published as pathogenic or benign to our knowledge

NM_139315.3(TAF6):c.1356C>A (p.Phe452Leu)

Genes: AP4M1 (adaptor related protein complex 4 subunit mu 1; plus strand), TAF6 (TATA-box binding protein associated factor 6; minus strand). Cytogenetic location: 7q22.1.
Variant type: single nucleotide variant.
Coding change: c.1356C>A on transcript NM_139315.3 (MANE Select); coding-DNA position 1356, C replaced by A.
Protein change: p.Phe452Leu; replaces phenylalanine 452 with leucine.
Molecular consequence: missense variant. On other transcripts: non-coding transcript variant (1), 3 prime UTR variant (2).
Genome position (GRCh38, 1-based): chr7:100,108,469, G>T on the plus strand (C>A on the coding strand, the complement: TAF6 is on the minus strand). VCF-style: chr7-100108469-G-T. GRCh37 (hg19) VCF-style: chr7-99706092-G-T.
Other names: c.1356C>A, p.Phe452Leu (NM_005641.4, NM_001364998.1, NM_001364999.1); c.*1587G>T (NM_001363671.2, NM_004722.4); c.1326C>A, p.Phe442Leu (NM_001365000.1, NM_001365001.1, NM_001365002.1 and 1 more transcripts); c.1494C>A, p.Phe498Leu (NM_001365004.1); c.1467C>A, p.Phe489Leu (NM_001190415.2); short protein forms F442L, F452L, F489L, F498L.
Identifiers: ClinVar variation 1697168 (VCV001697168.2), dbSNP rs374989021, ClinGen allele CA4375313.
Genomic context (GRCh38, chr7:100,108,469, plus strand): 5'-CAGAGCAGCCTGGGCCCGAGCCTTGACCACCTGGGAGCAGAGGAGGGGCCCAAGGGACCC[G>T]AATTCTGCCCGATAGGCGTCCTGATTGTCAGGCGGTGGGCGCAGCTTTGCCAGAACAGGA-3'
Protein context (NP_647476.1, residues 442-462): PDNQDAYRAE[Phe452Leu]GSLGPLLCSQ